The following is an entry in ClinVar:

ClinVar aggregate classification (germline): Pathogenic (1 of 4 stars; one submission).

Submission:

CeGaT Center for Human Genetics Tuebingen
Classification: Pathogenic. Last evaluated: 2024-01-01. Review status: criteria provided, single submitter. Criteria: CeGaT Center For Human Genetics Tuebingen Variant Classification Criteria Version 2. Collection method: clinical testing. Allele origin: germline. Affected: yes. Observed: 1 variant allele.
Comment: APOB: PVS1, PM2

NM_000384.3(APOB):c.7961del (p.Asn2654fs)

Gene: APOB (apolipoprotein B; minus strand). Cytogenetic location: 2p24.1.
Variant type: Deletion.
Coding change: c.7961del on transcript NM_000384.3 (MANE Select); coding-DNA position 7961, one base deleted (A; older notation c.7961delA).
Protein change: p.Asn2654fs; shifts the reading frame from asparagine 2654.
Molecular consequence: frameshift variant.
Genome position (GRCh38, 1-based): chr2:21,008,907, T deleted on the plus strand (A on the coding strand, the reverse complement: APOB is on the minus strand); the first of 2 consecutive T bases (chr2:21,008,907-21,008,908); deleting either gives the same sequence. VCF-style (leftmost placement, unchanged base first): chr2-21008906-GT-G. GRCh37 (hg19) VCF-style: chr2-21231778-GT-G.
Other names: short protein forms N2654fs.
Identifiers: ClinVar variation 3027049 (VCV003027049.22), dbSNP rs2465367576, ClinGen allele CA2658056022.
Genomic context (GRCh38, chr2:21,008,906, plus strand): 5'-TCTGATGATCTTTACTTTCATTTCTACAAAGTCAATTGTAAAGGAAGGAATGTGGAAGGT[GT>G]TAAGGATGGTAAATTCTGGTGTGGAAAACCTGGATGGGATTTTTATATTTTTTAAGTCTT-3'